The following is an entry in ClinVar:

NM_006070.6(TFG):c.478del (p.Val160fs)

Gene: TFG (trafficking from ER to golgi regulator; plus strand). Cytogenetic location: 3q12.2.
Variant type: Deletion.
Coding change: c.478del on transcript NM_006070.6 (MANE Select); coding-DNA position 478, one base deleted (G; older notation c.478delG).
Protein change: p.Val160fs; shifts the reading frame from valine 160.
Molecular consequence: frameshift variant.
Genome position (GRCh38, 1-based): chr3:100,732,570, G deleted; the last of 2 consecutive G bases (chr3:100,732,569-100,732,570); deleting either gives the same sequence. VCF-style (leftmost placement, unchanged base first): chr3-100732568-AG-A. GRCh37 (hg19) VCF-style: chr3-100451412-AG-A.
Other names: c.478del, p.Val160fs (NM_001007565.2, NM_001195478.2, NM_001195479.2); short protein forms V160fs.
Identifiers: ClinVar variation 1394235 (VCV001394235.6), dbSNP rs2149082751, ClinGen allele CA2573136386.

ClinVar aggregate classification (germline): Uncertain significance (1 of 4 stars; one submission).

Conditions:
Hereditary motor and sensory neuropathy, Okinawa type (HMSNO). Also called: HEREDITARY MOTOR AND SENSORY NEUROPATHY, PROXIMAL TYPE. Identifiers: Orphanet 90117, MedGen C1858338, MONDO:0011468, OMIM 604484.
Hereditary spastic paraplegia 57. Also called: Spastic paraplegia 57, autosomal recessive. Identifiers: Orphanet 431329, MedGen C3714897, MONDO:0014295, OMIM 615658.

Submission:

Labcorp Genetics (formerly Invitae), Labcorp
Classification: Uncertain significance for Hereditary motor and sensory neuropathy, Okinawa type; Hereditary spastic paraplegia 57. Last evaluated: 2021-11-20. Review status: criteria provided, single submitter. Criteria: Invitae Variant Classification Sherloc (09022015). Collection method: clinical testing. Allele origin: germline.
Comment: This variant is not present in population databases (gnomAD no frequency). This variant has not been reported in the literature in individuals affected with TFG-related conditions. In summary, the available evidence is currently insufficient to determine the role of this variant in disease. Therefore, it has been classified as a Variant of Uncertain Significance. This sequence change creates a premature translational stop signal (p.Val160Leufs*12) in the TFG gene. It is expected to result in an absent or disrupted protein product. However, the current clinical and genetic evidence is not sufficient to establish whether loss-of-function variants in TFG cause disease.